The following is an entry in ClinVar:

ClinVar aggregate classification (germline): Uncertain significance. Review status: criteria provided, multiple submitters, no conflicts (2 of 4 stars). 2 submissions from 2 submitters: Uncertain significance (2). Last evaluated 2022-05-27.

Allele frequency attached by ClinVar (database versions not stated): ExAC 0.00001; gnomAD 0.00001; gnomAD exomes 0.00001; TOPMed 0.00001.

Submissions (2):

Clinical Genetics Laboratory, Skane University Hospital Lund
Classification: Uncertain significance. Last evaluated: 2022-05-27. Review status: criteria provided, single submitter. Criteria: ACMG Guidelines, 2015. Collection method: clinical testing. Allele origin: germline. Affected: yes.

Labcorp Genetics (formerly Invitae), Labcorp
Classification: Uncertain significance. Last evaluated: 2022-05-05. Review status: criteria provided, single submitter. Criteria: Invitae Variant Classification Sherloc (09022015). Collection method: clinical testing. Allele origin: germline.
Comment: This sequence change replaces valine, which is neutral and non-polar, with methionine, which is neutral and non-polar, at codon 357 of the PNPLA8 protein (p.Val357Met). This variant is present in population databases (rs775543528, gnomAD 0.01%). This variant has not been reported in the literature in individuals affected with PNPLA8-related conditions. Algorithms developed to predict the effect of missense changes on protein structure and function are either unavailable or do not agree on the potential impact of this missense change (SIFT: "Deleterious"; PolyPhen-2: "Probably Damaging"; Align-GVGD: "Class C0"). In summary, the available evidence is currently insufficient to determine the role of this variant in disease. Therefore, it has been classified as a Variant of Uncertain Significance.

NM_001256007.3(PNPLA8):c.1069G>A (p.Val357Met)

Gene: PNPLA8 (patatin like domain 8, phospholipase A2; minus strand). Cytogenetic location: 7q31.1.
Variant type: single nucleotide variant.
Coding change: c.1069G>A on transcript NM_001256007.3 (MANE Select); coding-DNA position 1069, G replaced by A.
Protein change: p.Val357Met; replaces valine 357 with methionine.
Molecular consequence: missense variant.
Genome position (GRCh38, 1-based): chr7:108,514,281, C>T on the plus strand (G>A on the coding strand, the complement: PNPLA8 is on the minus strand). VCF-style: chr7-108514281-C-T. GRCh37 (hg19) VCF-style: chr7-108154725-C-T.
Other names: c.1069G>A, p.Val357Met (NM_001256008.3, NM_001256009.3, NM_015723.5); c.769G>A, p.Val257Met (NM_001256010.3, NM_001256011.3); short protein forms V257M, V357M.
Identifiers: ClinVar variation 2186379 (VCV002186379.3), dbSNP rs775543528, ClinGen allele CA4439675.